The following is an entry in ClinVar:

ClinVar aggregate classification (germline): Pathogenic. Review status: reviewed by expert panel (3 of 4 stars). 16 submissions from 16 submitters: Pathogenic (1). 15 of the submissions do not count toward it. Last evaluated 2016-09-08.

Conditions:
Breast and/or ovarian cancer. Identifiers: MedGen CN221562.
Hereditary cancer-predisposing syndrome. Also called: Tumor predisposition; Neoplastic Syndromes, Hereditary; Hereditary Cancer Syndrome; Hereditary neoplastic syndrome. Identifiers: Orphanet 140162, MedGen C0027672, MeSH D009386, MONDO:0015356.
Hereditary breast ovarian cancer syndrome. Also called: Hereditary breast and ovarian cancer syndrome (HBOC); Hereditary breast and ovarian cancer syndrome; Hereditary breast and ovarian cancer; Hereditary breast and/or ovarian cancer syndrome; Breast and ovarian cancer; BRCA1- and BRCA2-Associated Hereditary Breast and Ovarian Cancer. Identifiers: Orphanet 145, MedGen C0677776, MeSH D061325, MONDO:0003582. Disease mechanism: loss of function.
Breast-ovarian cancer, familial, susceptibility to, 1 (BROVCA1). Also called: OVARIAN CANCER, SUSCEPTIBILITY TO; BRCA1 Hereditary Breast and Ovarian Cancer. Identifiers: Orphanet 145, MedGen C2676676, MONDO:0011450, OMIM 604370. Disease mechanism: loss of function.
Malignant tumor of breast. Also called: Malignant breast neoplasm; Cancer breast. Identifiers: MedGen C0006142, MONDO:0007254. Disease mechanism: loss of function.

Allele frequency attached by ClinVar (database versions not stated): TOPMed below 0.00001; ExAC 0.00001; gnomAD 0.00001; gnomAD exomes below 0.00001.

Submissions 1 to 10 of 16:

Evidence-based Network for the Interpretation of Germline Mutant Alleles (ENIGMA)
Classification: Pathogenic for Breast-ovarian cancer, familial, susceptibility to, 1. Last evaluated: 2016-09-08. Review status: reviewed by expert panel. Criteria: ENIGMA BRCA1/2 Classification Criteria (2015). Collection method: curation. Allele origin: germline.
Comment: Variant allele predicted to encode a truncated non-functional protein.

Quest Diagnostics Nichols Institute San Juan Capistrano
Classification: Pathogenic. Last evaluated: 2025-08-01. Review status: criteria provided, single submitter. Criteria: Quest Diagnostics criteria. Collection method: clinical testing. Allele origin: unknown. Not counted in ClinVar's aggregate classification.
Comment: The BRCA1 c.4243del (p.Glu1415Lysfs*4) variant alters the translational reading frame of the BRCA1 mRNA and causes the premature termination of BRCA1 protein synthesis. This variant has been reported in the published literature in a large worldwide study of BRCA1/2 positive families (PMID: 29446198 (2018)), as well as in individuals with breast and/or ovarian cancer (PMID: 21203900 (2011), 21281505 (2011), 29446198 (2018), 31409081 (2019), 33724863 (2021), 37097611 (2023)), and endometrial cancer (PMID: 28452373 (2017)). Functional studies demonstrated that this variant had a damaging effect on protein function, with reduced Homology directed repair (HDR) activity (PMID: 26689913 (2015), 35196514 (2022)). The frequency of this variant in the general population (Genome Aggregation Database) is consistent with pathogenicity. Based on the available information, this variant is classified as pathogenic.

Ambry Genetics
Classification: Pathogenic for Hereditary cancer-predisposing syndrome. Last evaluated: 2025-04-11. Review status: criteria provided, single submitter. Criteria: Ambry Variant Classification Scheme 2023. Collection method: clinical testing. Allele origin: germline. Not counted in ClinVar's aggregate classification.
Comment: The c.4243delG pathogenic mutation, located in coding exon 11 of the BRCA1 gene, results from a deletion of one nucleotide at nucleotide position 4243, causing a translational frameshift with a predicted alternate stop codon (p.E1415Kfs*4). This variant has been reported in multiple unrelated breast and/or ovarian cancer families (Smith LD et al. Breast Cancer Res. 2011 Jan 31;13(1):R14; Konecny M et al. Breast Cancer Res Treat. 2011 Feb;126(1):119-30; Machackova E et al. Klin Onkol. 2019;32:51-71). Of note, this alteration is also designated as 4362delG in published literature. In addition to the clinical data presented in the literature, this alteration is expected to result in loss of function by premature protein truncation or nonsense-mediated mRNA decay. As such, this alteration is interpreted as a disease-causing mutation.

Labcorp Genetics (formerly Invitae), Labcorp
Classification: Pathogenic for Hereditary breast ovarian cancer syndrome. Last evaluated: 2025-02-12. Review status: criteria provided, single submitter. Criteria: Invitae Variant Classification Sherloc (09022015). Collection method: clinical testing. Allele origin: germline. Not counted in ClinVar's aggregate classification.
Comment: This sequence change creates a premature translational stop signal (p.Glu1415Lysfs*4) in the BRCA1 gene. It is expected to result in an absent or disrupted protein product. Loss-of-function variants in BRCA1 are known to be pathogenic (PMID: 20104584). This variant is present in population databases (rs80357981, gnomAD 0.0009%). This premature translational stop signal has been observed in individual(s) with hereditary breast and/or ovarian cancer (PMID: 21203900, 21281505). This variant is also known as c.4362delG. ClinVar contains an entry for this variant (Variation ID: 37578). For these reasons, this variant has been classified as Pathogenic.

Baylor Genetics
Classification: Pathogenic for Breast-ovarian cancer, familial, susceptibility to, 1. Last evaluated: 2024-02-15. Review status: criteria provided, single submitter. Criteria: ACMG Guidelines, 2015. Collection method: clinical testing. Allele origin: unknown. Not counted in ClinVar's aggregate classification.

Color Diagnostics, LLC DBA Color Health
Classification: Pathogenic for Hereditary cancer-predisposing syndrome. Last evaluated: 2023-08-17. Review status: criteria provided, single submitter. Criteria: ACMG Guidelines, 2015. Collection method: clinical testing. Allele origin: germline. Not counted in ClinVar's aggregate classification.
Comment: This variant deletes 1 nucleotide in exon 12 of the BRCA1 gene, creating a frameshift and premature translation stop signal. This variant is expected to result in an absent or non-functional protein product. This variant has been reported in at least one individual affected with breast cancer (PMID: 21281505) and in several suspected hereditary breast and ovarian cancer families (PMID: 21203900, 29446198, 31409081). This variant has been identified in 1/251428 chromosomes in the general population by the Genome Aggregation Database (gnomAD). Loss of BRCA1 function is a known mechanism of disease. Based on the available evidence, this variant is classified as Pathogenic.

GeneDx
Classification: Pathogenic. Last evaluated: 2022-11-23. Review status: criteria provided, single submitter. Criteria: GeneDx Variant Classification Process June 2021. Collection method: clinical testing. Allele origin: germline. Affected: yes. Not counted in ClinVar's aggregate classification.
Comment: Frameshift variant predicted to result in protein truncation or nonsense mediated decay in a gene for which loss of function is a known mechanism of disease; Published functional studies demonstrate a damaging effect: significant reduction in HDR activity compared to wild-type (Lu C et al., 2015); Truncating variants in this gene are considered pathogenic by a well-established clinical consortium and/or database; Not observed at significant frequency in large population cohorts (gnomAD); Also known as 4362del; This variant is associated with the following publications: (PMID: 29625052, 21203900, 21281505, 26689913, 24312913, 16267036, 28452373, 29452958, 30720243, 29922827)

Women's Health and Genetics/Laboratory Corporation of America, LabCorp
Classification: Pathogenic for Hereditary breast and ovarian cancer syndrome. Last evaluated: 2019-07-10. Review status: criteria provided, single submitter. Criteria: LabCorp Variant Classification Summary - May 2015. Collection method: clinical testing. Allele origin: germline. Not counted in ClinVar's aggregate classification.
Comment: Variant summary: BRCA1 c.4243delG (p.Glu1415LysfsX4) results in a premature termination codon, predicted to cause a truncation of the encoded protein or absence of the protein due to nonsense mediated decay, which are commonly known mechanisms for disease. Truncations downstream of this position have been classified as pathogenic by our laboratory. The variant allele was found at a frequency of 4e-06 in 251428 control chromosomes (gnomAD). c.4243delG has been reported in the literature in multiple individuals affected with Hereditary Breast and Ovarian Cancer (Judkins_2005, Smith_2011, Konecny_2011, Rebbeck_2018). These data indicate that the variant is very likely to be associated with disease. At least one publication reports experimental evidence evaluating an impact on protein function. The most pronounced variant effect results in <10% of HDR activity (Lu_2015). Six ClinVar submissions including an expert panel, ENIGMA, (evaluation after 2014) cite the variant as pathogenic. Based on the evidence outlined above, the variant was classified as pathogenic.

ARUP Laboratories, Molecular Genetics and Genomics, ARUP Laboratories
Classification: Pathogenic. Last evaluated: 2017-11-20. Review status: criteria provided, single submitter. Criteria: ARUP Molecular Germline Variant Investigation Process. Collection method: clinical testing. Allele origin: germline. Not counted in ClinVar's aggregate classification.

Clinical Genetics and Genomics, Karolinska University Hospital
Classification: Pathogenic. Last evaluated: 2017-01-31. Review status: criteria provided, single submitter. Criteria: ACMG Guidelines, 2015. Collection method: clinical testing. Allele origin: germline. Affected: yes. Observed: 1 variant allele. Not counted in ClinVar's aggregate classification.

NM_007294.4(BRCA1):c.4243del (p.Glu1415fs)

Gene: BRCA1 (BRCA1 DNA repair associated; minus strand). Cytogenetic location: 17q21.31.
Variant type: Deletion.
Coding change: c.4243del on transcript NM_007294.4 (MANE Select); coding-DNA position 4243, one base deleted (G; older notation c.4243delG).
Protein change: p.Glu1415fs; shifts the reading frame from glutamic acid 1415.
Molecular consequence: frameshift variant. On other transcripts: non-coding transcript variant (1).
Genome position (GRCh38, 1-based): chr17:43,082,518, C deleted on the plus strand (G on the coding strand, the reverse complement: BRCA1 is on the minus strand). VCF-style (leftmost placement, unchanged base first): chr17-43082517-TC-T. GRCh37 (hg19) VCF-style: chr17-41234534-TC-T.
Other names: 4362delG; c.4243delG (NM_007294.4); c.4231delG, p.Glu1411Lysfs (NM_001407646.1, NM_001407647.1); c.4120delG, p.Glu1374Lysfs (NM_001407648.1, NM_001407664.1, NM_001407665.1 and 13 more transcripts); c.4117delG, p.Glu1373Lysfs (NM_001407649.1, NM_001407670.1, NM_001407671.1 and 12 more transcripts); c.4243delG, p.Glu1415Lysfs (NM_001407652.1, NM_001407684.1, NM_001407854.1 and 22 more transcripts); c.4165delG, p.Glu1389Lysfs (NM_001407653.1, NM_001407654.1, NM_001407655.1 and 2 more transcripts); c.4162delG, p.Glu1388Lysfs (NM_001407656.1, NM_001407661.1, NM_001407662.1 and 1 more transcripts); and 56 more; short protein forms E312fs, E1368fs, E1415fs.
Identifiers: ClinVar variation 37578 (VCV000037578.37), dbSNP rs80357981, ClinGen allele CA002727.
Genomic context (GRCh38, chr17:43,082,517, plus strand): 5'-TCACTTATGATGGAAGGGTAGCTGTTAGAAGGCTGGCTCCCATGCTGTTCTAACACAGCT[TC>T]TAGTTCAGCCATTTCCTGCTGGAGCTTTATCAGGTTATGTTGCATGGTATCCCTCTGCTT-3'